The following is an entry in ClinVar:

ClinVar aggregate classification (germline): Pathogenic (1 of 4 stars; one submission).

Conditions:
Melnick-Fraser syndrome (BOR). Also called: Branchiootorenal syndrome; Branchio-oto-renal syndrome; Branchiootorenal Syndrome (BORS). Identifiers: Orphanet 107, MedGen C0265234, MONDO:0007029.

Submission:

Labcorp Genetics (formerly Invitae), Labcorp
Classification: Pathogenic for Melnick-Fraser syndrome. Last evaluated: 2024-04-15. Review status: criteria provided, single submitter. Criteria: Invitae Variant Classification Sherloc (09022015). Collection method: clinical testing. Allele origin: germline.
Comment: This sequence change results in a frameshift in the EYA1 gene (p.Tyr591Leufs*41). While this is not anticipated to result in nonsense mediated decay, it is expected to disrupt the last 2 amino acid(s) of the EYA1 protein and extend the protein by 38 additional amino acid residues. This variant is not present in population databases (gnomAD no frequency). This variant has not been reported in the literature in individuals affected with EYA1-related conditions. This variant disrupts a region of the EYA1 protein in which other variant(s) (p.Tyr591*) have been determined to be pathogenic (PMID: 17637804). This suggests that this is a clinically significant region of the protein, and that variants that disrupt it are likely to be disease-causing. For these reasons, this variant has been classified as Pathogenic.

Literature cited by the submitters: PubMed 17637804.

NM_000503.6(EYA1):c.1771dup (p.Tyr591fs)

Gene: EYA1 (EYA transcriptional coactivator and phosphatase 1; minus strand). Cytogenetic location: 8q13.3.
Variant type: Duplication.
Coding change: c.1771dup on transcript NM_000503.6 (MANE Select); coding-DNA position 1771, one base duplicated (T; older notation c.1771dupT).
Protein change: p.Tyr591fs; shifts the reading frame from tyrosine 591.
Molecular consequence: frameshift variant.
Genome position (GRCh38, 1-based): chr8:71,199,348, A duplicated on the plus strand (T on the coding strand, the reverse complement: EYA1 is on the minus strand). VCF-style (leftmost placement, unchanged base first): chr8-71199347-T-TA. GRCh37 (hg19) VCF-style: chr8-72111582-T-TA.
Other names: c.1753dup, p.Tyr585fs (NM_001288574.2, NM_172059.5); c.1405dup, p.Tyr469fs (NM_001288575.2); c.1858dup, p.Tyr620fs (NM_001370333.1); c.1771dup, p.Tyr591fs (NM_001370334.1, NM_001370335.1, NM_172058.4); c.1750dup, p.Tyr584fs (NM_001370336.1); c.1672dup, p.Tyr558fs (NM_001411797.1, NM_172060.4); short protein forms Y591fs, Y620fs, Y469fs, Y558fs, Y585fs, Y584fs.
Identifiers: ClinVar variation 2717003 (VCV002717003.3), dbSNP rs2537017106, ClinGen allele CA2697549963.